The following is an entry in ClinVar:

NM_032043.3(BRIP1):c.2564G>T (p.Arg855Leu)

Gene: BRIP1 (BRCA1 interacting DNA helicase 1; minus strand). Cytogenetic location: 17q23.2.
Variant type: single nucleotide variant.
Coding change: c.2564G>T on transcript NM_032043.3 (MANE Select); coding-DNA position 2564, G replaced by T.
Protein change: p.Arg855Leu; replaces arginine 855 with leucine.
Molecular consequence: missense variant.
Genome position (GRCh38, 1-based): chr17:61,693,441, C>A on the plus strand (G>T on the coding strand, the complement: BRIP1 is on the minus strand). VCF-style: chr17-61693441-C-A. GRCh37 (hg19) VCF-style: chr17-59770802-C-A.
Other names: short protein forms R855L.
Identifiers: ClinVar variation 407848 (VCV000407848.19), dbSNP rs200894063, ClinGen allele CA8690489.

ClinVar aggregate classification (germline): Uncertain significance. Review status: criteria provided, multiple submitters, no conflicts (2 of 4 stars). 4 submissions from 4 submitters: Uncertain significance (4). Last evaluated 2025-10-03.

Conditions:
Hereditary cancer-predisposing syndrome. Also called: Hereditary neoplastic syndrome; Neoplastic Syndromes, Hereditary; Tumor predisposition; Hereditary Cancer Syndrome. Identifiers: Orphanet 140162, MedGen C0027672, MeSH D009386, MONDO:0015356.
Familial cancer of breast. Also called: Hereditary breast cancer; hereditary breast carcinoma; BREAST CANCER, FAMILIAL. Identifiers: Orphanet 227535, MedGen C0346153, MONDO:0016419, OMIM 114480. Disease mechanism: loss of function.
Fanconi anemia complementation group J. Also called: BRIP1-Related Fanconi Anemia. Identifiers: Orphanet 84, MedGen C1836860, MONDO:0012187, OMIM 609054.

gnomAD v4.1: 9 of 1,612,968 alleles (0.00056%); highest among the groups gnomAD compares: South Asian, 0.0066%; no homozygotes.

Submissions (4):

Ambry Genetics
Classification: Uncertain significance for Hereditary cancer-predisposing syndrome. Last evaluated: 2025-10-03. Review status: criteria provided, single submitter. Criteria: Ambry Variant Classification Scheme 2023. Collection method: clinical testing. Allele origin: germline.
Comment: The p.R855L variant (also known as c.2564G>T), located in coding exon 17 of the BRIP1 gene, results from a G to T substitution at nucleotide position 2564. The arginine at codon 855 is replaced by leucine, an amino acid with dissimilar properties. This amino acid position is well conserved in available vertebrate species. In addition, the in silico prediction for this alteration is inconclusive. Since supporting evidence is limited at this time, the clinical significance of this alteration remains unclear.

Labcorp Genetics (formerly Invitae), Labcorp
Classification: Uncertain significance for Familial cancer of breast; Fanconi anemia complementation group J. Last evaluated: 2025-09-16. Review status: criteria provided, single submitter. Criteria: Invitae Variant Classification Sherloc (09022015). Collection method: clinical testing. Allele origin: germline.
Comment: This sequence change replaces arginine, which is basic and polar, with leucine, which is neutral and non-polar, at codon 855 of the BRIP1 protein (p.Arg855Leu). This variant is present in population databases (rs200894063, gnomAD 0.01%). This variant has not been reported in the literature in individuals affected with BRIP1-related conditions. ClinVar contains an entry for this variant (Variation ID: 407848). Invitae Evidence Modeling of protein sequence and biophysical properties (such as structural, functional, and spatial information, amino acid conservation, physicochemical variation, residue mobility, and thermodynamic stability) indicates that this missense variant is not expected to disrupt BRIP1 protein function with a negative predictive value of 95%. In summary, the available evidence is currently insufficient to determine the role of this variant in disease. Therefore, it has been classified as a Variant of Uncertain Significance.

Color Diagnostics, LLC DBA Color Health
Classification: Uncertain significance for Hereditary cancer-predisposing syndrome. Last evaluated: 2024-03-20. Review status: criteria provided, single submitter. Criteria: ACMG Guidelines, 2015. Collection method: clinical testing. Allele origin: germline.
Comment: This missense variant replaces arginine with leucine at codon 855 of the BRIP1 protein. Computational prediction is inconclusive regarding the impact of this variant on protein structure and function. To our knowledge, functional studies have not been reported for this variant. This variant has not been reported in individuals affected with BRIP1-related disorders in the literature. This variant has been identified in 3/251308 chromosomes in the general population by the Genome Aggregation Database (gnomAD). The available evidence is insufficient to determine the role of this variant in disease conclusively. Therefore, this variant is classified as a Variant of Uncertain Significance.

Neuberg Centre For Genomic Medicine, NCGM
Classification: Uncertain significance for Familial cancer of breast. Last evaluated: 2023-06-22. Review status: criteria provided, single submitter. Criteria: ACMG Guidelines, 2015. Collection method: clinical testing. Allele origin: germline. Inheritance: Autosomal dominant inheritance. Affected: yes.
Comment: The observed missense c.2564G>T (p.Arg855Leu) variant in BRIP1 gene has not been reported previously as a pathogenic variant nor as a benign variant, to our knowledge. The p.Arg855Leu variant is present with allele frequency of 0.001% in gnomAD Exomes. This variant has been submitted to the ClinVar database as Uncertain Significance. Computational evidence (Polyphen - Benign, SIFT - Damaging and MutationTaster - Polymorphism) predicts conflicting evidence on protein structure and function for this variant. The reference amino acid of p.Arg855Leu in BRIP1 is predicted as conserved by GERP++ and PhyloP across 100 vertebrates. The amino acid Arg at position 855 is changed to a Leu changing protein sequence and it might alter its composition and physico-chemical properties. For these reasons, this variant has been classified as a Variant of Uncertain Significance (VUS).